The following is an entry in ClinVar:

ClinVar aggregate classification (germline): Uncertain significance (1 of 4 stars; one submission).

Conditions:
Hereditary spastic paraplegia 47. Also called: Spastic paraplegia 47, autosomal recessive; adaptor protein 4 (AP-4) deficiency syndrome; CEREBRAL PALSY, SPASTIC QUADRIPLEGIC, 5. Identifiers: Orphanet 280763, MedGen C3279738, MONDO:0013551, OMIM 614066.

Allele frequency attached by ClinVar (database versions not stated): gnomAD exomes below 0.00001.
gnomAD v4.1: 1 of 1,614,228 alleles (0.000062%); highest among the groups gnomAD compares: South Asian, 0.0011%; no homozygotes.

Submission:

Labcorp Genetics (formerly Invitae), Labcorp
Classification: Uncertain significance for Hereditary spastic paraplegia 47. Last evaluated: 2024-08-12. Review status: criteria provided, single submitter. Criteria: Invitae Variant Classification Sherloc (09022015). Collection method: clinical testing. Allele origin: germline.
Comment: This sequence change replaces alanine, which is neutral and non-polar, with threonine, which is neutral and polar, at codon 570 of the AP4B1 protein (p.Ala570Thr). This variant is present in population databases (no rsID available, gnomAD 0.003%). This variant has not been reported in the literature in individuals affected with AP4B1-related conditions. ClinVar contains an entry for this variant (Variation ID: 2128608). Advanced modeling of protein sequence and biophysical properties (such as structural, functional, and spatial information, amino acid conservation, physicochemical variation, residue mobility, and thermodynamic stability) performed at Invitae indicates that this missense variant is not expected to disrupt AP4B1 protein function with a negative predictive value of 80%. In summary, the available evidence is currently insufficient to determine the role of this variant in disease. Therefore, it has been classified as a Variant of Uncertain Significance.

NM_001253852.3(AP4B1):c.1708G>A (p.Ala570Thr)

Genes: AP4B1 (adaptor related protein complex 4 subunit beta 1; minus strand), AP4B1-AS1 (AP4B1 antisense RNA 1; plus strand). Cytogenetic location: 1p13.2.
Variant type: single nucleotide variant.
Coding change: c.1708G>A on transcript NM_001253852.3 (MANE Select); coding-DNA position 1708, G replaced by A.
Protein change: p.Ala570Thr; replaces alanine 570 with threonine.
Molecular consequence: missense variant.
Genome position (GRCh38, 1-based): chr1:113,895,841, C>T on the plus strand (G>A on the coding strand, the complement: AP4B1 is on the minus strand). VCF-style: chr1-113895841-C-T. GRCh37 (hg19) VCF-style: chr1-114438463-C-T.
Other names: c.1411G>A, p.Ala471Thr (NM_001253853.3); c.1204G>A, p.Ala402Thr (NM_001308312.2); c.1708G>A, p.Ala570Thr (NM_006594.5); short protein forms A570T, A402T, A471T.
Identifiers: ClinVar variation 2128608 (VCV002128608.4), dbSNP rs1481692973, ClinGen allele CA341708466.
Genomic context (GRCh38, chr1:113,895,841, plus strand): 5'-TAGGAAGCTCTGGGTCACAACGCTCTGCCCCCTGGCATTTAGAGATAGTTGCCCAGTGGG[C>T]TTTGCCATACACTGGCACCAGTGTGTTGAAGTCTGAGGCCCAGCTATTCACAGGTCTTTC-3'
Protein context (NP_001240781.1, residues 560-580): FNTLVPVYGK[Ala570Thr]HWATISKCQG